The following is an entry in ClinVar:

ClinVar aggregate classification (germline): Pathogenic. Review status: criteria provided, single submitter (1 of 4 stars). 2 submissions from 2 submitters: Pathogenic (1). 1 of the submissions does not count toward it. Last evaluated 2023-10-19.

Conditions:
Neurodevelopmental disorder. Identifiers: MedGen C1535926, MeSH D065886, MONDO:0700092.

gnomAD v4.1: 1 of 1,612,760 alleles (0.000062%); highest among the groups gnomAD compares: African/African-American, 0.0013%; no homozygotes.

Submissions (2):

GeneDx
Classification: Pathogenic. Last evaluated: 2023-10-19. Review status: criteria provided, single submitter. Criteria: GeneDx Variant Classification Process June 2021. Collection method: clinical testing. Allele origin: germline. Affected: yes.
Comment: Nonsense variant in the C-terminus predicted to result in protein truncation, as the last 543 amino acids are lost, and other loss-of-function variants have been reported downstream at GeneDx; Not observed in large population cohorts (gnomAD); This variant is associated with the following publications: (PMID: 31723249)

University of Washington Center for Mendelian Genomics, University of Washington
Classification: Likely pathogenic for Neurodevelopmental disorder. Review status: no assertion criteria provided. Collection method: research. Allele origin: de novo. Affected: yes. Not counted in ClinVar's aggregate classification.

Literature cited by the submitters: PubMed 31723249 (cited by University of Washington Center for Mendelian Genomics, University of Washington).

NM_015021.3(ZNF292):c.6541C>T (p.Arg2181Ter)

Gene: ZNF292 (zinc finger protein 292; plus strand). Cytogenetic location: 6q14.3.
Variant type: single nucleotide variant.
Coding change: c.6541C>T on transcript NM_015021.3 (MANE Select); coding-DNA position 6541, C replaced by T.
Protein change: p.Arg2181Ter; replaces arginine 2181 with a stop codon.
Molecular consequence: nonsense.
Genome position (GRCh38, 1-based): chr6:87,260,170, C>T. VCF-style: chr6-87260170-C-T. GRCh37 (hg19) VCF-style: chr6-87969888-C-T.
Other names: c.6121C>T, p.Arg2041Ter (NM_001351444.2); c.6541C>T (NM_015021.1); short protein forms R2041*, R2181*.
Identifiers: ClinVar variation 982200 (VCV000982200.2), dbSNP rs377387515, ClinGen allele CA364938542.